The following is an entry in ClinVar:

NM_001127222.2(CACNA1A):c.1737C>T (p.Ser579=)

Gene: CACNA1A (calcium voltage-gated channel subunit alpha1 A; minus strand). Cytogenetic location: 19p13.13.
Variant type: single nucleotide variant.
Coding change: c.1737C>T on transcript NM_001127222.2 (MANE Select); coding-DNA position 1737, C replaced by T.
Protein change: p.Ser579=; no amino-acid change (serine 579 retained).
Molecular consequence: synonymous variant.
Genome position (GRCh38, 1-based): chr19:13,308,460, G>A on the plus strand (C>T on the coding strand, the complement: CACNA1A is on the minus strand). VCF-style: chr19-13308460-G-A. GRCh37 (hg19) VCF-style: chr19-13419274-G-A.
Other names: c.1740C>T, p.Ser580= (NM_000068.4, NM_001127221.2, NM_001174080.2 and 1 more transcripts).
Identifiers: ClinVar variation 945389 (VCV000945389.16), dbSNP rs371161901, ClinGen allele CA9240747.
Genomic context (GRCh38, chr19:13,308,460, plus strand): 5'-AACCCCAAAGACTTACTTTGTGACTTTGAAAATACGCAATAACCTGAGGGCTCGTAACAC[G>A]CTGATTCCAAAGGATGTGCCAGGTTTTATGACAGCCCAGATGACCTCGAAGATGCTCCCA-3'
Protein context (NP_001120694.1, residues 569-589): VIKPGTSFGI[Ser579=]VLRALRLLRI

ClinVar aggregate classification (germline): Likely benign. Review status: criteria provided, multiple submitters, no conflicts (2 of 4 stars). 2 submissions from 2 submitters: Likely benign (2). Last evaluated 2025-10-10.

Conditions:
Episodic ataxia type 2 (EA2). Also called: ACETAZOLAMIDE-RESPONSIVE HEREDITARY PAROXYSMAL CEREBELLAR ATAXIA; EPISODIC ATAXIA, NYSTAGMUS-ASSOCIATED; ATAXIA, EPISODIC, WITH NYSTAGMUS; ATAXIA, FAMILIAL PAROXYSMAL; CEREBELLAR ATAXIA, PAROXYSMAL, ACETAZOLAMIDE-RESPONSIVE; CEREBELLOPATHY, HEREDITARY PAROXYSMAL. Identifiers: Orphanet 97, MedGen C1720416, MONDO:0007163, OMIM 108500.
Developmental and epileptic encephalopathy, 42 (DEE42A). Also called: DEVELOPMENTAL AND EPILEPTIC ENCEPHALOPATHY 42A; EPILEPTIC ENCEPHALOPATHY, EARLY INFANTILE, 42A; Epileptic encephalopathy, early infantile, 42. Identifiers: MedGen C4310716, MONDO:0014917, OMIM 617106.

Allele frequency attached by ClinVar (database versions not stated): gnomAD exomes 0.00001 and 0.00002; TOPMed 0.00001; ExAC 0.00004; ESP Exome Variant Server 0.00008.
gnomAD v4.1: 13 of 1,613,136 alleles (0.00081%); highest among the groups gnomAD compares: African/African-American, 0.0013%; no homozygotes.

Submissions (2):

Labcorp Genetics (formerly Invitae), Labcorp
Classification: Likely benign for Developmental and epileptic encephalopathy, 42; Episodic ataxia type 2. Last evaluated: 2025-10-10. Review status: criteria provided, single submitter. Criteria: Invitae Variant Classification Sherloc (09022015). Collection method: clinical testing. Allele origin: germline.

CeGaT Center for Human Genetics Tuebingen
Classification: Likely benign. Last evaluated: 2025-05-01. Review status: criteria provided, single submitter. Criteria: CeGaT Center For Human Genetics Tuebingen Variant Classification Criteria Version 2. Collection method: clinical testing. Allele origin: germline. Affected: yes. Observed: 1 variant allele.
Comment: CACNA1A: BP4, BP7